The following is an entry in ClinVar:

NM_004415.4(DSP):c.5017G>A (p.Glu1673Lys)

Gene: DSP (desmoplakin; plus strand). Cytogenetic location: 6p24.3.
Variant type: single nucleotide variant.
Coding change: c.5017G>A on transcript NM_004415.4 (MANE Select); coding-DNA position 5017, G replaced by A.
Protein change: p.Glu1673Lys; replaces glutamic acid 1673 with lysine.
Molecular consequence: missense variant. On other transcripts: intron variant (2).
Genome position (GRCh38, 1-based): chr6:7,581,207, G>A. VCF-style: chr6-7581207-G-A. GRCh37 (hg19) VCF-style: chr6-7581440-G-A.
Other names: c.4050+967G>A (NM_001319034.2); c.3582+1435G>A (NM_001008844.3); short protein forms E1673K.
Identifiers: ClinVar variation 3750282 (VCV003750282.2).

ClinVar aggregate classification (germline): Uncertain significance (1 of 4 stars; one submission).

Conditions:
Arrhythmogenic right ventricular dysplasia 8 (ARVD8). Also called: Arrhythmogenic Right Ventricular Dysplasia/Cardiomyopathy 8; ARRHYTHMOGENIC RIGHT VENTRICULAR DYSPLASIA, FAMILIAL, 8; ARRHYTHMOGENIC RIGHT VENTRICULAR CARDIOMYOPATHY 8. Identifiers: MedGen C1843896, MONDO:0011831, OMIM 607450.
Arrhythmogenic cardiomyopathy with wooly hair and keratoderma. Also called: PALMOPLANTAR KERATODERMA WITH LEFT VENTRICULAR CARDIOMYOPATHY AND WOOLLY HAIR; Carvajal syndrome; Dilated cardiomyopathy with woolly hair and keratoderma; Arrhythmogenic cardiomyopathy with woolly hair and keratoderma. Identifiers: Orphanet 65282, MedGen C1854063, MONDO:0011581, OMIM 605676.

gnomAD v4.1: 1 of 1,614,190 alleles (0.000062%); highest among the groups gnomAD compares: Admixed American, 0.0017%; no homozygotes.

Submission:

Labcorp Genetics (formerly Invitae), Labcorp
Classification: Uncertain significance for Arrhythmogenic cardiomyopathy with wooly hair and keratoderma; Arrhythmogenic right ventricular dysplasia 8. Last evaluated: 2024-07-16. Review status: criteria provided, single submitter. Criteria: Invitae Variant Classification Sherloc (09022015). Collection method: clinical testing. Allele origin: germline.
Comment: This sequence change replaces glutamic acid, which is acidic and polar, with lysine, which is basic and polar, at codon 1673 of the DSP protein (p.Glu1673Lys). This variant is not present in population databases (gnomAD no frequency). This variant has not been reported in the literature in individuals affected with DSP-related conditions. An algorithm developed to predict the effect of missense changes on protein structure and function (PolyPhen-2) suggests that this variant is likely to be tolerated. In summary, the available evidence is currently insufficient to determine the role of this variant in disease. Therefore, it has been classified as a Variant of Uncertain Significance.